The following is an entry in ClinVar:

ClinVar aggregate classification (germline): Uncertain significance (1 of 4 stars; one submission).

Submission:

Ambry Genetics
Classification: Uncertain significance. Last evaluated: 2023-08-25. Review status: criteria provided, single submitter. Criteria: Ambry Variant Classification Scheme 2023. Collection method: clinical testing. Allele origin: germline.
Comment: The p.V119I variant (also known as c.355G>A), located in coding exon 5 of the RAD54L gene, results from a G to A substitution at nucleotide position 355. The valine at codon 119 is replaced by isoleucine, an amino acid with highly similar properties. This amino acid position is conserved. In addition, this alteration is predicted to be tolerated by in silico analysis. Since supporting evidence is limited at this time, the clinical significance of this alteration remains unclear.

NM_003579.4(RAD54L):c.355G>A (p.Val119Ile)

Gene: RAD54L (RAD54 like; plus strand). Cytogenetic location: 1p34.1.
Variant type: single nucleotide variant.
Coding change: c.355G>A on transcript NM_003579.4 (MANE Select); coding-DNA position 355, G replaced by A.
Protein change: p.Val119Ile; replaces valine 119 with isoleucine.
Molecular consequence: missense variant. On other transcripts: 5 prime UTR variant (1).
Genome position (GRCh38, 1-based): chr1:46,260,047, G>A. VCF-style: chr1-46260047-G-A. GRCh37 (hg19) VCF-style: chr1-46725719-G-A.
Other names: c.355G>A, p.Val119Ile (NM_001142548.2); c.-186G>A (NM_001370766.1); short protein forms V119I.
Identifiers: ClinVar variation 1732686 (VCV001732686.3), dbSNP rs1660063386, ClinGen allele CA340182416.